The following is an entry in ClinVar:

NM_005630.3(SLCO2A1):c.1021G>A (p.Val341Ile)

Gene: SLCO2A1 (solute carrier organic anion transporter family member 2A1; minus strand). Cytogenetic location: 3q22.1.
Variant type: single nucleotide variant.
Coding change: c.1021G>A on transcript NM_005630.3 (MANE Select); coding-DNA position 1021, G replaced by A.
Protein change: p.Val341Ile; replaces valine 341 with isoleucine.
Molecular consequence: missense variant.
Genome position (GRCh38, 1-based): chr3:133,948,620, C>T on the plus strand (G>A on the coding strand, the complement: SLCO2A1 is on the minus strand). VCF-style: chr3-133948620-C-T. GRCh37 (hg19) VCF-style: chr3-133667464-C-T.
Other names: short protein forms V341I.
Identifiers: ClinVar variation 2152959 (VCV002152959.1), dbSNP rs559510072, ClinGen allele CA2626590.
Genomic context (GRCh38, chr3:133,948,620, plus strand): 5'-CTGAGGTGCCATACTGCTTCTCCAGGAACTTGTTGAGGAAGGTGGAGAGGCCAGCAATGA[C>T]GGAGGAGAAGGTGCACTGGGCCAGGACCACCAGGACGAAGAGTGAGTTCATCAGGAGCCT-3'
Protein context (NP_005621.2, residues 331-351): VVLAQCTFSS[Val341Ile]IAGLSTFLNK

ClinVar aggregate classification (germline): Uncertain significance (1 of 4 stars; one submission).

Allele frequency attached by ClinVar (database versions not stated): TOPMed 0.00004; gnomAD 0.00007; 1000 Genomes Project 30x 0.00016; 1000 Genomes Project 0.00020.
gnomAD v4.1: 71 of 1,614,072 alleles (0.0044%); highest among the groups gnomAD compares: East Asian, 0.018%; no homozygotes.

Submission:

Labcorp Genetics (formerly Invitae), Labcorp
Classification: Uncertain significance. Last evaluated: 2022-06-22. Review status: criteria provided, single submitter. Criteria: Invitae Variant Classification Sherloc (09022015). Collection method: clinical testing. Allele origin: germline.
Comment: This sequence change replaces valine, which is neutral and non-polar, with isoleucine, which is neutral and non-polar, at codon 341 of the SLCO2A1 protein (p.Val341Ile). This variant is present in population databases (rs559510072, gnomAD 0.03%). This variant has not been reported in the literature in individuals affected with SLCO2A1-related conditions. Algorithms developed to predict the effect of missense changes on protein structure and function are either unavailable or do not agree on the potential impact of this missense change (SIFT: "Tolerated"; PolyPhen-2: "Probably Damaging"; Align-GVGD: "Class C0"). In summary, the available evidence is currently insufficient to determine the role of this variant in disease. Therefore, it has been classified as a Variant of Uncertain Significance.